The following is an entry in ClinVar:

ClinVar aggregate classification (germline): Likely pathogenic (1 of 4 stars; one submission).

Submission:

Labcorp Genetics (formerly Invitae), Labcorp
Classification: Likely pathogenic. Last evaluated: 2020-06-29. Review status: criteria provided, single submitter. Criteria: Invitae Variant Classification Sherloc (09022015). Collection method: clinical testing. Allele origin: germline.
Comment: This variant is not present in population databases (ExAC no frequency). Glycine residues within the Gly-Xaa-Yaa repeats of the triple helix domain are required for the structure and stability of fibrillar collagens (PMID: 7695699, 8218237, 19344236). In COL4A1, missense variants at these glycine residues are significantly enriched in individuals with disease (PMID: 10612821) compared to the general population (ExAC). In summary, this variant is a novel missense change affecting a residue that is known to be critical for normal protein structure, stability and function. This type of missense change is also highly enriched in affected individuals and expected to be pathogenic. However, without additional functional and/or genetic data, this variant has been classified as Likely Pathogenic. This variant has been observed in individual(s) with clinical features of COL4A1-related conditions (Invitae). This sequence change replaces glycine with glutamic acid at codon 679 of the COL4A1 protein (p.Gly679Glu). The glycine residue is highly conserved and there is a moderate physicochemical difference between glycine and glutamic acid.

Literature cited by the submitters: PubMed 7695699; PubMed 8218237; PubMed 19344236; PubMed 10612821.

NM_001845.6(COL4A1):c.2036G>A (p.Gly679Glu)

Gene: COL4A1 (collagen type IV alpha 1 chain; minus strand). Cytogenetic location: 13q34.
Variant type: single nucleotide variant.
Coding change: c.2036G>A on transcript NM_001845.6 (MANE Select); coding-DNA position 2036, G replaced by A.
Protein change: p.Gly679Glu; replaces glycine 679 with glutamic acid.
Molecular consequence: missense variant.
Genome position (GRCh38, 1-based): chr13:110,183,052, C>T on the plus strand (G>A on the coding strand, the complement: COL4A1 is on the minus strand). VCF-style: chr13-110183052-C-T. GRCh37 (hg19) VCF-style: chr13-110835399-C-T.
Other names: short protein forms G679E.
Identifiers: ClinVar variation 1065923 (VCV001065923.9), dbSNP rs2139169535, ClinGen allele CA388722212.
Genomic context (GRCh38, chr13:110,183,052, plus strand): 5'-CCTTTGGGGCCGGGGGGCCCTGGAAATCCAATGCCTGGCTGGCCCACAGCGCCCTTCTCT[C>T]CTGGCAGGCCTGGCCTTCCTGGGGTTCCGGGAAAGCCTCGGTCTCCTGTGGTGAGAAAGA-3'
Protein context (NP_001836.3, residues 669-689): PGTPGRPGLP[Gly679Glu]EKGAVGQPGI